The following is an entry in ClinVar:

NM_020937.4(FANCM):c.845A>C (p.His282Pro)

Gene: FANCM (FA complementation group M; plus strand). Cytogenetic location: 14q21.2.
Variant type: single nucleotide variant.
Coding change: c.845A>C on transcript NM_020937.4 (MANE Select); coding-DNA position 845, A replaced by C.
Protein change: p.His282Pro; replaces histidine 282 with proline.
Molecular consequence: missense variant.
Genome position (GRCh38, 1-based): chr14:45,148,922, A>C. VCF-style: chr14-45148922-A-C. GRCh37 (hg19) VCF-style: chr14-45618125-A-C.
Other names: c.767A>C, p.His256Pro (NM_001308133.2); c.845A>C, p.His282Pro (NM_001308134.2); short protein forms H256P, H282P.
Identifiers: ClinVar variation 1918172 (VCV001918172.6), dbSNP rs1423902915, ClinGen allele CA389589988.

ClinVar aggregate classification (germline): Uncertain significance. Review status: criteria provided, multiple submitters, no conflicts (2 of 4 stars). 2 submissions from 2 submitters: Uncertain significance (2). Last evaluated 2025-01-06.

Conditions:
Inborn genetic diseases. Identifiers: MedGen C0950123, MeSH D030342.
Fanconi anemia (FA). Also called: Fanconi's anemia. Identifiers: Orphanet 84, MedGen C0015625, MeSH D005199, MONDO:0019391.

Submissions (2):

Ambry Genetics
Classification: Uncertain significance for Inborn genetic diseases. Last evaluated: 2025-01-06. Review status: criteria provided, single submitter. Criteria: Ambry Variant Classification Scheme 2023. Collection method: clinical testing. Allele origin: germline.
Comment: The p.H282P variant (also known as c.845A>C), located in coding exon 4 of the FANCM gene, results from an A to C substitution at nucleotide position 845. The histidine at codon 282 is replaced by proline, an amino acid with similar properties. This amino acid position is conserved. In addition, this alteration is predicted to be tolerated by in silico analysis. Based on the available evidence, the clinical significance of this variant remains unclear.

Labcorp Genetics (formerly Invitae), Labcorp
Classification: Uncertain significance for Fanconi anemia. Last evaluated: 2022-10-05. Review status: criteria provided, single submitter. Criteria: Invitae Variant Classification Sherloc (09022015). Collection method: clinical testing. Allele origin: germline.
Comment: Algorithms developed to predict the effect of missense changes on protein structure and function are either unavailable or do not agree on the potential impact of this missense change (SIFT: "Deleterious"; PolyPhen-2: "Benign"; Align-GVGD: "Class C0"). This sequence change replaces histidine, which is basic and polar, with proline, which is neutral and non-polar, at codon 282 of the FANCM protein (p.His282Pro). This variant is not present in population databases (gnomAD no frequency). This variant has not been reported in the literature in individuals affected with FANCM-related conditions. In summary, the available evidence is currently insufficient to determine the role of this variant in disease. Therefore, it has been classified as a Variant of Uncertain Significance.